The following is an entry in ClinVar:

ClinVar aggregate classification (germline): Uncertain significance. Review status: criteria provided, multiple submitters, no conflicts (2 of 4 stars). 3 submissions from 3 submitters: Uncertain significance (3). Last evaluated 2024-03-07.

Conditions:
Hereditary cancer-predisposing syndrome. Also called: Neoplastic Syndromes, Hereditary; Tumor predisposition; Hereditary neoplastic syndrome; Hereditary Cancer Syndrome. Identifiers: Orphanet 140162, MedGen C0027672, MeSH D009386, MONDO:0015356.
Familial cancer of breast. Also called: BREAST CANCER, FAMILIAL; Hereditary breast cancer; hereditary breast carcinoma. Identifiers: Orphanet 227535, MedGen C0346153, MONDO:0016419, OMIM 114480. Disease mechanism: loss of function.

Allele frequency attached by ClinVar (database versions not stated): gnomAD exomes below 0.00001.
gnomAD v4.1: 1 of 1,595,534 alleles (0.000063%); highest among the groups gnomAD compares: Non-Finnish European, 0.000085%; no homozygotes.

Submissions (3):

Color Diagnostics, LLC DBA Color Health
Classification: Uncertain significance for Hereditary cancer-predisposing syndrome. Last evaluated: 2024-03-07. Review status: criteria provided, single submitter. Criteria: ACMG Guidelines, 2015. Collection method: clinical testing. Allele origin: germline.
Comment: This missense variant replaces lysine with arginine at codon 465 of the CHEK2 protein. Computational prediction suggests that this variant may not impact protein structure and function (internally defined REVEL score threshold <= 0.5, PMID: 27666373). To our knowledge, functional studies have not been reported for this variant. This variant has not been reported in individuals affected with hereditary cancer in the literature. This variant has not been identified in the general population by the Genome Aggregation Database (gnomAD). The available evidence is insufficient to determine the role of this variant in disease conclusively. Therefore, this variant is classified as a Variant of Uncertain Significance.

Labcorp Genetics (formerly Invitae), Labcorp
Classification: Uncertain significance for Familial cancer of breast. Last evaluated: 2023-10-15. Review status: criteria provided, single submitter. Criteria: Invitae Variant Classification Sherloc (09022015). Collection method: clinical testing. Allele origin: germline.
Comment: This sequence change replaces lysine, which is basic and polar, with arginine, which is basic and polar, at codon 465 of the CHEK2 protein (p.Lys465Arg). This variant is not present in population databases (gnomAD no frequency). This variant has not been reported in the literature in individuals affected with CHEK2-related conditions. An algorithm developed to predict the effect of missense changes on protein structure and function (PolyPhen-2) suggests that this variant is likely to be tolerated. In summary, the available evidence is currently insufficient to determine the role of this variant in disease. Therefore, it has been classified as a Variant of Uncertain Significance.

Blueprint Genetics
Classification: Uncertain significance. Last evaluated: 2023-05-12. Review status: criteria provided, single submitter. Criteria: ACMG Guidelines, 2015. Collection method: clinical testing. Allele origin: germline.

NM_007194.4(CHEK2):c.1394A>G (p.Lys465Arg)

Gene: CHEK2 (checkpoint kinase 2; minus strand). Cytogenetic location: 22q12.1.
Variant type: single nucleotide variant.
Coding change: c.1394A>G on transcript NM_007194.4 (MANE Select); coding-DNA position 1394, A replaced by G.
Protein change: p.Lys465Arg; replaces lysine 465 with arginine.
Molecular consequence: missense variant.
Genome position (GRCh38, 1-based): chr22:28,694,099, T>C on the plus strand (A>G on the coding strand, the complement: CHEK2 is on the minus strand). VCF-style: chr22-28694099-T-C. GRCh37 (hg19) VCF-style: chr22-29090087-T-C.
Other names: c.1523A>G, p.Lys508Arg (NM_001005735.3); c.731A>G, p.Lys244Arg (NM_001257387.3); c.1193A>G, p.Lys398Arg (NM_001349956.3); c.1307A>G, p.Lys436Arg (NM_145862.3); short protein forms K465R, K398R, K436R, K508R, K244R.
Identifiers: ClinVar variation 2753416 (VCV002753416.4), dbSNP rs2517788269, ClinGen allele CA411094441.